The following is an entry in ClinVar:

ClinVar aggregate classification (germline): Likely benign. Review status: criteria provided, multiple submitters, no conflicts (2 of 4 stars). 3 submissions from 3 submitters: Likely benign (2). 1 of the submissions does not count toward it. Last evaluated 2026-03-01.

Conditions:
INTS1-related disorder. Also called: INTS1-related condition.

Allele frequency attached by ClinVar (database versions not stated): ESP Exome Variant Server 0.00008; ExAC 0.00013; gnomAD 0.00025 and 0.00027; TOPMed 0.00036.
gnomAD v4.1: 262 of 1,612,504 alleles (0.016%); highest among the groups gnomAD compares: African/African-American, 0.063%; no homozygotes.

Submissions (3):

CeGaT Center for Human Genetics Tuebingen
Classification: Likely benign. Last evaluated: 2026-03-01. Review status: criteria provided, single submitter. Criteria: CeGaT Center For Human Genetics Tuebingen Variant Classification Criteria Version 2. Collection method: clinical testing. Allele origin: germline. Affected: yes. Observed: 1 variant allele.
Comment: INTS1: BP4, BP7

Labcorp Genetics (formerly Invitae), Labcorp
Classification: Likely benign. Last evaluated: 2018-03-29. Review status: criteria provided, single submitter. Criteria: Invitae Variant Classification Sherloc (09022015). Collection method: clinical testing. Allele origin: germline.

PreventionGenetics, part of Exact Sciences
Classification: Likely benign for INTS1-related condition. Last evaluated: 2019-11-20. Review status: no assertion criteria provided. Collection method: clinical testing. Allele origin: germline. Not counted in ClinVar's aggregate classification.
Comment: This variant is classified as likely benign based on ACMG/AMP sequence variant interpretation guidelines (Richards et al. 2015 PMID: 25741868, with internal and published modifications).

NM_001080453.3(INTS1):c.4569C>T (p.Ala1523=)

Gene: INTS1 (integrator complex subunit 1; minus strand). Cytogenetic location: 7p22.3.
Variant type: single nucleotide variant.
Coding change: c.4569C>T on transcript NM_001080453.3 (MANE Select); coding-DNA position 4569, C replaced by T.
Protein change: p.Ala1523=; no amino-acid change (alanine 1523 retained).
Molecular consequence: synonymous variant.
Genome position (GRCh38, 1-based): chr7:1,478,427, G>A on the plus strand (C>T on the coding strand, the complement: INTS1 is on the minus strand). VCF-style: chr7-1478427-G-A. GRCh37 (hg19) VCF-style: chr7-1518063-G-A.
Identifiers: ClinVar variation 736181 (VCV000736181.9), dbSNP rs370380149, ClinGen allele CA4118794.